The following is an entry in ClinVar:

ClinVar aggregate classification (germline): Likely pathogenic (1 of 4 stars; one submission).

Conditions:
Autosomal dominant LEMD3-related disorders.

Submission:

Variantyx, Inc.
Classification: Likely pathogenic for Autosomal dominant LEMD3-related disorders. Last evaluated: 2026-01-20. Review status: criteria provided, single submitter. Criteria: Variantyx Assertion Criteria 2022. Collection method: clinical testing. Allele origin: de novo. Inheritance: Autosomal dominant inheritance. Affected: no.
Comment: This is a frameshift variant in the LEMD3 gene (OMIM: 607844). Pathogenic variants in this gene have been associated with autosomal dominant LEMD3-related disorders. This variant introduces a premature termination codon in exon 8 out of 13 and is expected to result in loss of function, which is a known disease mechanism for LEMD3 in these disorders (PMID: 19438932, 17087626, 15489854) (PVS1). This variant is absent from control populations (PM2) and it has not been reported in individuals with LEMD3-related disorders in the databases available for review. Based on the current evidence, this variant is classified as likely pathogenic for autosomal dominant LEMD3-related disorders. Emerging evidence suggests that the LEMD3 gene may be associated with cardiovascular phenotypes, including heart failure (PMID: 37798313, 36813091).

Literature cited by the submitters: PubMed 19438932; PubMed 17087626; PubMed 15489854.

NM_014319.5(LEMD3):c.2070del (p.Leu690fs)

Gene: LEMD3 (LEM domain containing 3; plus strand). Cytogenetic location: 12q14.3.
Variant type: Deletion.
Coding change: c.2070del on transcript NM_014319.5 (MANE Select); coding-DNA position 2070, one base deleted (A; older notation c.2070delA).
Protein change: p.Leu690fs; shifts the reading frame from leucine 690.
Molecular consequence: frameshift variant.
Genome position (GRCh38, 1-based): chr12:65,240,182, A deleted. VCF-style (leftmost placement, unchanged base first): chr12-65240181-TA-T. GRCh37 (hg19) VCF-style: chr12-65633961-TA-T.
Other names: c.2067del, p.Leu689fs (NM_001167614.2); short protein forms L689fs, L690fs.
Identifiers: ClinVar variation 4850184 (VCV004850184.1).
Genomic context (GRCh38, chr12:65,240,181, plus strand): 5'-TTTATTTATTTTTAGATGTTTTACGAAGTCATAATGAAGCCTGCCAGGAAAACAAAGATT[TA>T]CAACCTTACATGCCTATTCCACATGTACGCGATTCCTTAATACAGCCTCATGACAGGTGT-3'